The following is an entry in ClinVar:

ClinVar aggregate classification (germline): Uncertain significance (1 of 4 stars; one submission).

Submission:

Dasa
Classification: Uncertain significance. Last evaluated: 2025-07-11. Review status: criteria provided, single submitter. Criteria: DASA Assertion Criteria. Collection method: clinical testing. Allele origin: germline.
Comment: NM_014727.3(KMT2B):c.7969C>T (p.Pro2657Ser) is a missense variant that results in the substitution of proline with serine. This variant is absent from population databases. Computational prediction algorithms are consistent with a deleterious effect. The currently available literature and clinical evidence are not sufficient to establish a definitive association between this variant and the reported condition. Therefore, this variant is classified as a variant of uncertain significance.

NM_014727.3(KMT2B):c.7969C>T (p.Pro2657Ser)

Gene: KMT2B (lysine methyltransferase 2B; plus strand). Cytogenetic location: 19q13.12.
Variant type: single nucleotide variant.
Coding change: c.7969C>T on transcript NM_014727.3 (MANE Select); coding-DNA position 7969, C replaced by T.
Protein change: p.Pro2657Ser; replaces proline 2657 with serine.
Molecular consequence: missense variant.
Genome position (GRCh38, 1-based): chr19:35,738,378, C>T. VCF-style: chr19-35738378-C-T. GRCh37 (hg19) VCF-style: chr19-36229279-C-T.
Other names: short protein forms P2657S.
Identifiers: ClinVar variation 4886086 (VCV004886086.2).